The following is an entry in ClinVar:

NM_002295.6(RPSA):c.628-3C>T

Gene: RPSA (ribosomal protein SA; plus strand). Cytogenetic location: 3p22.1.
Variant type: single nucleotide variant.
Coding change: c.628-3C>T on transcript NM_002295.6 (MANE Select); 3 bases into the intron before coding-DNA position 628, C replaced by T.
Molecular consequence: intron variant.
Genome position (GRCh38, 1-based): chr3:39,411,893, C>T. VCF-style: chr3-39411893-C-T. GRCh37 (hg19) VCF-style: chr3-39453384-C-T.
Other names: c.643-3C>T (NM_001304288.2).
Identifiers: ClinVar variation 2879837 (VCV002879837.3), dbSNP rs755496346, ClinGen allele CA2665167879.

ClinVar aggregate classification (germline): Uncertain significance (1 of 4 stars; one submission).

Submission:

Labcorp Genetics (formerly Invitae), Labcorp
Classification: Uncertain significance. Last evaluated: 2023-04-09. Review status: criteria provided, single submitter. Criteria: Invitae Variant Classification Sherloc (09022015). Collection method: clinical testing. Allele origin: germline.
Comment: In summary, the available evidence is currently insufficient to determine the role of this variant in disease. Therefore, it has been classified as a Variant of Uncertain Significance. Variants that disrupt the consensus splice site are a relatively common cause of aberrant splicing (PMID: 17576681, 9536098). Algorithms developed to predict the effect of sequence changes on RNA splicing suggest that this variant is not likely to affect RNA splicing. This variant has not been reported in the literature in individuals affected with RPSA-related conditions. This variant is not present in population databases (gnomAD no frequency). This sequence change falls in intron 5 of the RPSA gene. It does not directly change the encoded amino acid sequence of the RPSA protein. It affects a nucleotide within the consensus splice site.

Literature cited by the submitters: PubMed 17576681; PubMed 9536098.